The following is an entry in ClinVar:

NM_001845.6(COL4A1):c.3287C>T (p.Pro1096Leu)

Gene: COL4A1 (collagen type IV alpha 1 chain; minus strand). Cytogenetic location: 13q34.
Variant type: single nucleotide variant.
Coding change: c.3287C>T on transcript NM_001845.6 (MANE Select); coding-DNA position 3287, C replaced by T.
Protein change: p.Pro1096Leu; replaces proline 1096 with leucine.
Molecular consequence: missense variant.
Genome position (GRCh38, 1-based): chr13:110,174,661, G>A on the plus strand (C>T on the coding strand, the complement: COL4A1 is on the minus strand). VCF-style: chr13-110174661-G-A. GRCh37 (hg19) VCF-style: chr13-110827008-G-A.
Other names: short protein forms P1096L.
Identifiers: ClinVar variation 3385386 (VCV003385386.2).

ClinVar aggregate classification (germline): Uncertain significance (1 of 4 stars; one submission).

Conditions:
Microangiopathy and leukoencephalopathy, pontine, autosomal dominant. Also called: DEMENTIA, HEREDITARY MULTI-INFARCT, SWEDISH TYPE; Pontine autosomal dominant microangiopathy with leukoencephalopathy. Identifiers: Orphanet 477749, MedGen C5231411, MONDO:0032814, OMIM 618564.

gnomAD v4.1: 1 of 1,614,052 alleles (0.000062%); highest among the groups gnomAD compares: Non-Finnish European, 0.000085%; no homozygotes.

Submission:

Institute of Human Genetics, University of Leipzig Medical Center
Classification: Uncertain significance for Microangiopathy and leukoencephalopathy, pontine, autosomal dominant. Last evaluated: 2024-11-12. Review status: criteria provided, single submitter. Criteria: ACMG Guidelines, 2015. Collection method: clinical testing. Allele origin: unknown. Inheritance: Autosomal dominant inheritance. Affected: yes.
Comment: Criteria applied: PM1_SUP,PM2_SUP,PP2,PP3